The following is an entry in ClinVar:

NM_005359.6(SMAD4):c.26C>T (p.Thr9Ile)

Gene: SMAD4 (SMAD family member 4; plus strand). Cytogenetic location: 18q21.2.
Variant type: single nucleotide variant.
Coding change: c.26C>T on transcript NM_005359.6 (MANE Select); coding-DNA position 26, C replaced by T.
Protein change: p.Thr9Ile; replaces threonine 9 with isoleucine.
Molecular consequence: missense variant.
Genome position (GRCh38, 1-based): chr18:51,047,072, C>T. VCF-style: chr18-51047072-C-T. GRCh37 (hg19) VCF-style: chr18-48573442-C-T.
Other names: short protein forms T9I.
Identifiers: ClinVar variation 460547 (VCV000460547.13), dbSNP rs1555684986, ClinGen allele CA402457275.

ClinVar aggregate classification (germline): Uncertain significance. Review status: criteria provided, multiple submitters, no conflicts (2 of 4 stars). 3 submissions from 3 submitters: Uncertain significance (3). Last evaluated 2024-02-22.

Conditions:
Juvenile polyposis syndrome (JPS). Identifiers: Orphanet 2929, MedGen C0345893, MONDO:0017380, OMIM 174900.
Familial thoracic aortic aneurysm and aortic dissection (TAAD). Also called: Thoracic aortic aneurysms and dissections. Identifiers: Orphanet 91387, MedGen C4707243, MONDO:0019625.
Hereditary cancer-predisposing syndrome. Also called: Hereditary neoplastic syndrome; Neoplastic Syndromes, Hereditary; Tumor predisposition; Hereditary Cancer Syndrome. Identifiers: Orphanet 140162, MedGen C0027672, MeSH D009386, MONDO:0015356.

Submissions (3):

Ambry Genetics
Classification: Uncertain significance for Hereditary cancer-predisposing syndrome; Familial thoracic aortic aneurysm and aortic dissection. Last evaluated: 2024-02-22. Review status: criteria provided, single submitter. Criteria: Ambry Variant Classification Scheme 2023. Collection method: clinical testing. Allele origin: germline.
Comment: The p.T9I variant (also known as c.26C>T), located in coding exon 1 of the SMAD4 gene, results from a C to T substitution at nucleotide position 26. The threonine at codon 9 is replaced by isoleucine, an amino acid with similar properties. This amino acid position is well conserved in available vertebrate species. In addition, this alteration is predicted to be deleterious by in silico analysis. Based on the available evidence, the clinical significance of this alteration remains unclear.

Color Diagnostics, LLC DBA Color Health
Classification: Uncertain significance for Hereditary cancer-predisposing syndrome. Last evaluated: 2022-12-13. Review status: criteria provided, single submitter. Criteria: ACMG Guidelines, 2015. Collection method: clinical testing. Allele origin: germline.
Comment: This missense variant replaces threonine with isoleucine at codon 9 of the SMAD4 protein. Computational prediction is inconclusive regarding the impact of this variant on protein structure and function (internally defined REVEL score threshold 0.5 < inconclusive < 0.7, PMID: 27666373). To our knowledge, functional studies have not been reported for this variant. This variant has not been reported in individuals affected with SMAD4-related disorders in the literature. This variant has not been identified in the general population by the Genome Aggregation Database (gnomAD). The available evidence is insufficient to determine the role of this variant in disease conclusively. Therefore, this variant is classified as a Variant of Uncertain Significance.

Labcorp Genetics (formerly Invitae), Labcorp
Classification: Uncertain significance for Juvenile polyposis syndrome. Last evaluated: 2017-05-23. Review status: criteria provided, single submitter. Criteria: Invitae Variant Classification Sherloc (09022015). Collection method: clinical testing. Allele origin: germline.
Comment: In summary, this variant has uncertain impact on SMAD4 function. The available evidence is currently insufficient to determine its role in disease. Therefore, it has been classified as a Variant of Uncertain Significance. Algorithms developed to predict the effect of missense changes on protein structure and function (SIFT, PolyPhen-2, Align-GVGD) all suggest that this variant is likely to be tolerated, but these predictions have not been confirmed by published functional studies and their clinical significance is uncertain. This variant has not been reported in the literature in individuals with a SMAD4-related disease. This variant is not present in population databases (ExAC no frequency). This sequence change replaces threonine with isoleucine at codon 9 of the SMAD4 protein (p.Thr9Ile). The threonine residue is highly conserved and there is a moderate physicochemical difference between threonine and isoleucine.